The following is an entry in ClinVar:

ClinVar aggregate classification (germline): Uncertain significance (1 of 4 stars; one submission).

Conditions:
Cardiomyopathy (CMYO). Also called: Cardiomyopathies. Identifiers: Orphanet 167848, MedGen C0878544, MONDO:0004994, HP:0001638. Inheritance: Various modes of inheritance.

Submission:

Color Diagnostics, LLC DBA Color Health
Classification: Uncertain significance for Cardiomyopathy. Last evaluated: 2025-12-15. Review status: criteria provided, single submitter. Criteria: ACMG Guidelines, 2015. Collection method: clinical testing. Allele origin: germline.
Comment: This missense variant replaces lysine with arginine at codon 128 of the DSC2 protein. Computational prediction suggests that this variant may not impact protein structure and function. To our knowledge, functional studies have not been reported for this variant. This variant has not been reported in individuals affected with DSC2-related disorders in the literature. This variant has not been identified in the general population by the Genome Aggregation Database (gnomAD). The available evidence is insufficient to determine the role of this variant in disease conclusively. Therefore, this variant is classified as a Variant of Uncertain Significance.

NM_024422.6(DSC2):c.383A>G (p.Lys128Arg)

Gene: DSC2 (desmocollin 2; minus strand). Cytogenetic location: 18q12.1.
Variant type: single nucleotide variant.
Coding change: c.383A>G on transcript NM_024422.6 (MANE Select); coding-DNA position 383, A replaced by G.
Protein change: p.Lys128Arg; replaces lysine 128 with arginine.
Molecular consequence: missense variant. On other transcripts: 5 prime UTR variant (2).
Genome position (GRCh38, 1-based): chr18:31,091,119, T>C on the plus strand (A>G on the coding strand, the complement: DSC2 is on the minus strand). VCF-style: chr18-31091119-T-C. GRCh37 (hg19) VCF-style: chr18-28671082-T-C.
Other names: c.-47A>G (NM_001406506.1, NM_001406507.1); c.383A>G, p.Lys128Arg (NM_004949.5); short protein forms K128R.
Identifiers: ClinVar variation 4756358 (VCV004756358.1).